The following is an entry in ClinVar:

NM_017534.6(MYH2):c.4537+1G>A

Genes: MYH2 (myosin heavy chain 2; minus strand), MYHAS (myosin heavy chain gene cluster antisense RNA; plus strand), LOC126862500 (BRD4-independent group 4 enhancer GRCh37_chr17:10427829-10429028; plus strand). Cytogenetic location: 17p13.1.
Variant type: single nucleotide variant.
Coding change: c.4537+1G>A on transcript NM_017534.6 (MANE Select); the canonical splice donor site of the intron after coding-DNA position 4537, G replaced by A.
Molecular consequence: splice donor variant.
Genome position (GRCh38, 1-based): chr17:10,525,450, C>T on the plus strand (G>A on the coding strand, the complement: MYH2 is on the minus strand). VCF-style: chr17-10525450-C-T. GRCh37 (hg19) VCF-style: chr17-10428767-C-T.
Other names: c.4537+1G>A (NM_001100112.2).
Identifiers: ClinVar variation 1029470 (VCV001029470.35), dbSNP rs567336764, ClinGen allele CA8390614.

ClinVar aggregate classification (germline): Pathogenic/Likely pathogenic. Review status: criteria provided, multiple submitters, no conflicts (2 of 4 stars). 6 submissions from 6 submitters: Pathogenic (2); Likely pathogenic (4). Last evaluated 2026-06-15.

Conditions:
Myopathy, proximal, and ophthalmoplegia (CMYO6). Also called: INCLUSION BODY MYOPATHY 3, AUTOSOMAL DOMINANT; CONGENITAL MYOPATHY 6 WITH OPHTHALMOPLEGIA; MYOPATHY WITH CONGENITAL JOINT CONTRACTURES, OPHTHALMOPLEGIA, AND RIMMED VACUOLES. Identifiers: Orphanet 363677, Orphanet 79091, MedGen C1854106, MONDO:0011577, OMIM 605637.

Allele frequency attached by ClinVar (database versions not stated): gnomAD 0.00001; gnomAD exomes 0.00002; ExAC 0.00003; 1000 Genomes Project 30x 0.00016; 1000 Genomes Project 0.00020.
gnomAD v4.1: 19 of 1,614,098 alleles (0.0012%); highest among the groups gnomAD compares: South Asian, 0.0022%; no homozygotes.

Submissions (6):

GeneDx
Classification: Pathogenic. Last evaluated: 2026-06-15. Review status: criteria provided, single submitter. Criteria: GeneDx Variant Classification Process June 2021. Collection method: clinical testing. Allele origin: germline.
Comment: Canonical splice site variant predicted to result in a null allele in a gene for which loss of function is a known mechanism of disease; Not observed at significant frequency in large population cohorts (gnomAD); This variant is associated with the following publications: (PMID: 33250842, 38716412)

Labcorp Genetics (formerly Invitae), Labcorp
Classification: Likely pathogenic for Myopathy, proximal, and ophthalmoplegia. Last evaluated: 2024-11-11. Review status: criteria provided, single submitter. Criteria: Invitae Variant Classification Sherloc (09022015). Collection method: clinical testing. Allele origin: germline.
Comment: This sequence change affects a donor splice site in intron 32 of the MYH2 gene. It is expected to disrupt RNA splicing. Variants that disrupt the donor or acceptor splice site typically lead to a loss of protein function (PMID: 16199547), and loss-of-function variants in MYH2 are known to be pathogenic (PMID: 20418530, 23388406, 24193343). This variant is present in population databases (rs567336764, gnomAD 0.003%). Disruption of this splice site has been observed in individual(s) with MYH2-related conditions (PMID: 33250842). ClinVar contains an entry for this variant (Variation ID: 1029470). Algorithms developed to predict the effect of sequence changes on RNA splicing suggest that this variant may disrupt the consensus splice site. In summary, the currently available evidence indicates that the variant is pathogenic, but additional data are needed to prove that conclusively. Therefore, this variant has been classified as Likely Pathogenic.

Laboratorio de Genetica e Diagnostico Molecular, Hospital Israelita Albert Einstein
Classification: Likely pathogenic for Myopathy, proximal, and ophthalmoplegia. Last evaluated: 2024-08-15. Review status: criteria provided, single submitter. Criteria: ACMG Guidelines, 2015. Collection method: clinical testing. Allele origin: germline. Affected: yes.
Comment: ACMG classification criteria: PVS1 very strong, PM2 supporting

CeGaT Center for Human Genetics Tuebingen
Classification: Likely pathogenic. Last evaluated: 2022-12-01. Review status: criteria provided, single submitter. Criteria: CeGaT Center For Human Genetics Tuebingen Variant Classification Criteria Version 2. Collection method: clinical testing. Allele origin: germline. Affected: yes. Observed: 1 variant allele.
Comment: MYH2: PVS1

Baylor Genetics
Classification: Likely pathogenic for Myopathy, proximal, and ophthalmoplegia. Last evaluated: 2020-02-06. Review status: criteria provided, single submitter. Criteria: ACMG Guidelines, 2015. Collection method: clinical testing. Allele origin: unknown. Affected: yes.
Comment: This variant was determined to be likely pathogenic according to ACMG Guidelines, 2015 [PMID:25741868].

Revvity Omics, Revvity
Classification: Pathogenic for Myopathy, proximal, and ophthalmoplegia. Last evaluated: 2019-12-19. Review status: criteria provided, single submitter. Criteria: ACMG Guidelines, 2015. Collection method: clinical testing. Allele origin: germline.

Literature cited by the submitters: PubMed 16199547 (cited by Labcorp Genetics (formerly Invitae), Labcorp); PubMed 20418530 (cited by Labcorp Genetics (formerly Invitae), Labcorp); PubMed 23388406 (cited by Labcorp Genetics (formerly Invitae), Labcorp); PubMed 24193343 (cited by Labcorp Genetics (formerly Invitae), Labcorp); PubMed 33250842 (cited by Labcorp Genetics (formerly Invitae), Labcorp).